The following is an entry in ClinVar:

ClinVar aggregate classification (germline): Uncertain significance (1 of 4 stars; one submission).

Conditions:
Leigh syndrome (NULS). Also called: Leigh's necrotizing encephalopathy; Leigh's disease; Leigh Syndrome (mtDNA deletion); Leigh Disease; Subacute necrotizing encephalopathy; Necrotizing encephalopathy infantile subacute of Leigh. Identifiers: Orphanet 506, MedGen C2931891, MONDO:0009723, OMIM 256000.

Submission:

Wong Mito Lab, Molecular and Human Genetics, Baylor College of Medicine
Classification: Uncertain significance for Leigh syndrome. Last evaluated: 2019-10-17. Review status: criteria provided, single submitter. Criteria: Modified ACMG Guidelines (Unpublished). Collection method: clinical testing. Allele origin: germline.
Comment: The NC_012920.1:m.6564G>A (YP_003024028.1:p.Asp221Asn) variant in MTCO1 gene is interpretated to be a Uncertain Significance variant based on the modified ACMG guidelines (unpublished). This variant meets the following evidence codes: PP3, PP7

NC_012920.1(MT-CO1):m.6564G>A

Gene: MT-CO1 (mitochondrially encoded cytochrome c oxidase I; plus strand).
Variant type: single nucleotide variant.
Genome position: chrM-6564-G-A.
Identifiers: ClinVar variation 692660 (VCV000692660.1), dbSNP rs1603220535, ClinGen allele CA414784805.